The following is an entry in ClinVar:

NM_001267550.2(TTN):c.83497G>T (p.Gly27833Ter)

Genes: TTN (titin; minus strand), TTN-AS1 (TTN antisense RNA 1; plus strand). Cytogenetic location: 2q31.2.
Variant type: single nucleotide variant.
Coding change: c.83497G>T on transcript NM_001267550.2 (MANE Select); coding-DNA position 83497, G replaced by T.
Protein change: p.Gly27833Ter; replaces glycine 27833 with a stop codon.
Molecular consequence: nonsense.
Genome position (GRCh38, 1-based): chr2:178,562,635, C>A on the plus strand (G>T on the coding strand, the complement: TTN is on the minus strand). VCF-style: chr2-178562635-C-A. GRCh37 (hg19) VCF-style: chr2-179427362-C-A.
Other names: c.78574G>T, p.Gly26192Ter (NM_001256850.1); c.56302G>T, p.Gly18768Ter (NM_003319.4); c.75793G>T, p.Gly25265Ter (NM_133378.4); c.56677G>T, p.Gly18893Ter (NM_133432.3); c.56878G>T, p.Gly18960Ter (NM_133437.4); short protein forms G18768*, G18893*, G18960*, G25265*, G26192*, G27833*.
Identifiers: ClinVar variation 1065188 (VCV001065188.2), dbSNP rs2154160857, ClinGen allele CA349567228.
Genomic context (GRCh38, chr2:178,562,635, plus strand): 5'-CAGCTGGCAAACCAATCCCATATTCATTGGAAGCCAAGACTCGGAAGTAGTAAGAACATC[C>A]TTCTTGTAGATTTTCAATTCTGAAAGTAGTTTTAGTGCAATTATTTGTAATGGTAGCATA-3'

ClinVar aggregate classification (germline): Pathogenic (1 of 4 stars; one submission).

Conditions:
Primary dilated cardiomyopathy (DCM). Also called: Dilated Cardiomyopathy. Identifiers: Orphanet 217604, MedGen C0007193, MeSH D002311, MONDO:0005021, HP:0001644. Inheritance: Various modes of inheritance.

Submission:

Loeys Lab, Universiteit Antwerpen
Classification: Pathogenic for Primary dilated cardiomyopathy. Last evaluated: 2021-02-26. Review status: criteria provided, single submitter. Criteria: ACMG Guidelines, 2015. Collection method: clinical testing. Allele origin: somatic. Affected: yes. Observed: 1 variant allele, 1 heterozygote.
Comment: This sequence change results in a truncating variant of the TTN gene (p.( Gly27833*)). The variant is absent from population databases such as gnomAD (PM2). The variant has not been described before. Functional studies have not been performed. However truncating and frameshift mutations in TTN are a well known mechanism for dilated cardiomyopathy (PMID: 22335739) (PVS1). The variant is located in the A-band of the titin-protein which is a known hotspot for pathogenic variants (PM1). In conclusion this variant was classified as pathogenic according to ACMG-guidelines (PVS1, PM1, PM2).

Literature cited by the submitters: PubMed 22335739.